The following is an entry in ClinVar:

ClinVar aggregate classification (germline): Conflicting classifications of pathogenicity. Review status: criteria provided, conflicting classifications (1 of 4 stars). 2 submissions from 2 submitters: Uncertain significance (1); Likely benign (1). Last evaluated 2025-12-01.

gnomAD v4.1: 6 of 1,537,128 alleles (0.00039%); highest among the groups gnomAD compares: Admixed American, 0.0019%; no homozygotes.

Submissions (2):

CeGaT Center for Human Genetics Tuebingen
Classification: Uncertain significance. Last evaluated: 2025-12-01. Review status: criteria provided, single submitter. Criteria: CeGaT Center For Human Genetics Tuebingen Variant Classification Criteria Version 2. Collection method: clinical testing. Allele origin: germline. Affected: yes. Observed: 1 variant allele.
Comment: TBX1: PP3

Blueprint Genetics
Classification: Likely benign. Last evaluated: 2022-07-13. Review status: criteria provided, single submitter. Criteria: ACMG Guidelines, 2015. Collection method: clinical testing. Allele origin: germline.

NM_001379200.1(TBX1):c.1267C>T (p.His423Tyr)

Gene: TBX1 (T-box transcription factor 1; plus strand). Cytogenetic location: 22q11.21.
Variant type: single nucleotide variant.
Coding change: c.1267C>T on transcript NM_001379200.1 (MANE Select); coding-DNA position 1267, C replaced by T.
Protein change: p.His423Tyr; replaces histidine 423 with tyrosine.
Molecular consequence: missense variant. On other transcripts: intron variant (2).
Genome position (GRCh38, 1-based): chr22:19,766,619, C>T. VCF-style: chr22-19766619-C-T. GRCh37 (hg19) VCF-style: chr22-19754142-C-T.
Other names: c.1240C>T, p.His414Tyr (NM_080647.1); c.1009+617C>T (NM_005992.1, NM_080646.2); short protein forms H414Y, H423Y.
Identifiers: ClinVar variation 4681659 (VCV004681659.6).
Genomic context (GRCh38, chr22:19,766,619, plus strand): 5'-AGTCCCCCGAACCCCGAGCTGCGCCTGGAGGCGCCCGGCGCATCGGAGCCGCTGCACCAC[C>T]ACCCCTACAAATATCCGGCCGCCGCCTACGACCACTATCTCGGGGCCAAGAGCCGGCCGG-3'
Protein context (NP_001366129.1, residues 413-433): APGASEPLHH[His423Tyr]PYKYPAAAYD